The following is an entry in ClinVar:

NM_201253.3(CRB1):c.2687G>A (p.Cys896Tyr)

Gene: CRB1 (crumbs cell polarity complex component 1; plus strand). Cytogenetic location: 1q31.3.
Variant type: single nucleotide variant.
Coding change: c.2687G>A on transcript NM_201253.3 (MANE Select); coding-DNA position 2687, G replaced by A.
Protein change: p.Cys896Tyr; replaces cysteine 896 with tyrosine.
Molecular consequence: missense variant. On other transcripts: non-coding transcript variant (2), intron variant (1).
Genome position (GRCh38, 1-based): chr1:197,429,459, G>A. VCF-style: chr1-197429459-G-A. GRCh37 (hg19) VCF-style: chr1-197398589-G-A.
Other names: c.2351G>A, p.Cys784Tyr (NM_001193640.2); c.2615G>A, p.Cys872Tyr (NM_001257965.2); c.2129-6141G>A (NM_001257966.2); short protein forms C784Y, C872Y, C896Y.
Identifiers: ClinVar variation 806308 (VCV000806308.49), dbSNP rs1571544334, ClinGen allele CA344040380.

ClinVar aggregate classification (germline): Conflicting classifications of pathogenicity. Review status: criteria provided, conflicting classifications (1 of 4 stars). 7 submissions from 7 submitters: Pathogenic (1); Likely pathogenic (3); Uncertain significance (3). Last evaluated 2025-07-25.

Conditions:
Retinitis pigmentosa (RP). Identifiers: Orphanet 791, MedGen C0035334, MeSH D012174, MONDO:0019200, OMIM 268000. Inheritance: Autosomal dominant, autosomal recessive and X linked inheritance.
Retinitis pigmentosa 12 (RP12). Also called: RP WITH OR WITHOUT PRESERVED PARAARTERIOLE RETINAL PIGMENT EPITHELIUM; RETINITIS PIGMENTOSA WITH OR WITHOUT PARAARTERIOLAR PRESERVATION OF RETINAL PIGMENT EPITHELIUM; RP WITH OR WITHOUT PPRPE. Identifiers: Orphanet 791, MedGen C1838647, MONDO:0010818, OMIM 600105.
Leber congenital amaurosis 8 (LCA8). Identifiers: Orphanet 65, MedGen C3151202, MONDO:0013453, OMIM 613835.

Submissions (7):

Women's Health and Genetics/Laboratory Corporation of America, LabCorp
Classification: Uncertain significance. Last evaluated: 2025-07-25. Review status: criteria provided, single submitter. Criteria: LabCorp Variant Classification Summary - May 2015. Collection method: clinical testing. Allele origin: germline.
Comment: Variant summary: CRB1 c.2687G>A (p.Cys896Tyr) results in a non-conservative amino acid change located in the EGF-like domain (IPR000742) of the encoded protein sequence. Algorithms developed to predict the effect of missense changes on protein structure and function all suggest that this variant is likely to be disruptive. The variant was absent in 251420 control chromosomes. The available data on variant occurrences in the general population are insufficient to allow any conclusion about variant significance. c.2687G>A has been reported in the literature in individuals affected with Retinal Dystrophy. These report(s) do not provide unequivocal conclusions about association of the variant with Retinal Dystrophy. To our knowledge, no experimental evidence demonstrating an impact on protein function has been reported. The following publication has been ascertained in the context of this evaluation (PMID: 32531858). ClinVar contains an entry for this variant (Variation ID: 806308). Based on the evidence outlined above, the variant was classified as uncertain significance.

GeneDx
Classification: Uncertain significance. Last evaluated: 2023-09-18. Review status: criteria provided, single submitter. Criteria: GeneDx Variant Classification Process June 2021. Collection method: clinical testing. Allele origin: germline. Affected: yes.
Comment: Not observed at significant frequency in large population cohorts (gnomAD); In silico analysis supports that this missense variant has a deleterious effect on protein structure/function; This variant is associated with the following publications: (PMID: 32531858)

Genome-Nilou Lab
Classification: Likely pathogenic for Retinitis pigmentosa 12. Last evaluated: 2023-04-11. Review status: criteria provided, single submitter. Criteria: ACMG Guidelines, 2015. Collection method: clinical testing. Allele origin: germline. Affected: no.

Labcorp Genetics (formerly Invitae), Labcorp
Classification: Likely pathogenic for Leber congenital amaurosis 8; Retinitis pigmentosa 12. Last evaluated: 2022-12-14. Review status: criteria provided, single submitter. Criteria: Invitae Variant Classification Sherloc (09022015). Collection method: clinical testing. Allele origin: germline.
Comment: In summary, the currently available evidence indicates that the variant is pathogenic, but additional data are needed to prove that conclusively. Therefore, this variant has been classified as Likely Pathogenic. This variant disrupts the p.Cys896 amino acid residue in CRB1. Other variant(s) that disrupt this residue have been observed in individuals with CRB1-related conditions (PMID: 27353947, 33090715, 33579689), which suggests that this may be a clinically significant amino acid residue. Advanced modeling of protein sequence and biophysical properties (such as structural, functional, and spatial information, amino acid conservation, physicochemical variation, residue mobility, and thermodynamic stability) performed at Invitae indicates that this missense variant is expected to disrupt CRB1 protein function. ClinVar contains an entry for this variant (Variation ID: 806308). This missense change has been observed in individual(s) with retinitis pigmentosa (PMID: 32531858). This variant is not present in population databases (gnomAD no frequency). This sequence change replaces cysteine, which is neutral and slightly polar, with tyrosine, which is neutral and polar, at codon 896 of the CRB1 protein (p.Cys896Tyr).

Blueprint Genetics
Classification: Uncertain significance. Last evaluated: 2020-09-17. Review status: criteria provided, single submitter. Criteria: ACMG Guidelines, 2015. Collection method: clinical testing. Allele origin: germline.

Molecular Genetics Laboratory, Institute for Ophthalmic Research
Classification: Pathogenic for Retinitis pigmentosa. Last evaluated: 2020-01-09. Review status: criteria provided, single submitter. Criteria: ACMG Guidelines, 2015. Collection method: research. Allele origin: germline. Affected: yes.

CeGaT Center for Human Genetics Tuebingen
Classification: Likely pathogenic. Last evaluated: 2018-12-01. Review status: criteria provided, single submitter. Criteria: CeGaT Center For Human Genetics Tuebingen Variant Classification Criteria Version 2. Collection method: clinical testing. Allele origin: germline. Affected: yes. Observed: 1 variant allele.

Literature cited by the submitters: PubMed 32531858 (cited by Women's Health and Genetics/Laboratory Corporation of America, LabCorp and Labcorp Genetics (formerly Invitae), Labcorp); PubMed 27353947 (cited by Labcorp Genetics (formerly Invitae), Labcorp); PubMed 33090715 (cited by Labcorp Genetics (formerly Invitae), Labcorp); PubMed 33579689 (cited by Labcorp Genetics (formerly Invitae), Labcorp).